The following is an entry in ClinVar:

NM_004415.4(DSP):c.478C>T (p.Arg160Ter)

Gene: DSP (desmoplakin; plus strand). Cytogenetic location: 6p24.3.
Variant type: single nucleotide variant.
Coding change: c.478C>T on transcript NM_004415.4 (MANE Select); coding-DNA position 478, C replaced by T.
Protein change: p.Arg160Ter; replaces arginine 160 with a stop codon.
Molecular consequence: nonsense.
Genome position (GRCh38, 1-based): chr6:7,559,281, C>T. VCF-style: chr6-7559281-C-T. GRCh37 (hg19) VCF-style: chr6-7559514-C-T.
Other names: p.R160X:CGA>TGA; p.Arg160*; c.478C>T, p.Arg160Ter (NM_001008844.3, NM_001319034.2); short protein forms R160*.
Identifiers: ClinVar variation 44922 (VCV000044922.35), dbSNP rs397516943, ClinGen allele CA006226.
Genomic context (GRCh38, chr6:7,559,281, plus strand): 5'-TGCAGGCTTCTTCAGCTCCAAGAGCAAATGCGAGCCCTTTATAAAGCCATCAGTGTCCCT[C>T]GAGTCCGCAGGGCCAGCTCCAAGGGTGGTGGAGGCTACACTTGTCAGAGTGGCTCTGGCT-3'

ClinVar aggregate classification (germline): Pathogenic/Likely pathogenic. Review status: criteria provided, multiple submitters, no conflicts (2 of 4 stars). 11 submissions from 11 submitters: Pathogenic (10); Likely pathogenic (1). Last evaluated 2026-02-10.

Conditions:
Cardiovascular phenotype. Identifiers: MedGen CN230736.
Arrhythmogenic right ventricular cardiomyopathy (ARVD). Also called: Cardiomyopathy, ARVC; Arrhythmogenic cardiomyopathy; Arrhythmogenic Right Ventricular Cardiomyopathy (ARVC); Arrhythmogenic right ventricular dysplasia. Identifiers: Orphanet 247, MedGen C0349788, MeSH D019571, MONDO:0016587. Disease mechanism: loss of function. Inheritance: Various modes of inheritance.
Cardiomyopathy (CMYO). Also called: Cardiomyopathies. Identifiers: Orphanet 167848, MedGen C0878544, MONDO:0004994, HP:0001638. Inheritance: Various modes of inheritance.
Arrhythmogenic right ventricular dysplasia 8 (ARVD8). Also called: Arrhythmogenic Right Ventricular Dysplasia/Cardiomyopathy 8; ARRHYTHMOGENIC RIGHT VENTRICULAR DYSPLASIA, FAMILIAL, 8; ARRHYTHMOGENIC RIGHT VENTRICULAR CARDIOMYOPATHY 8. Identifiers: MedGen C1843896, MONDO:0011831, OMIM 607450.
Arrhythmogenic cardiomyopathy with wooly hair and keratoderma. Also called: PALMOPLANTAR KERATODERMA WITH LEFT VENTRICULAR CARDIOMYOPATHY AND WOOLLY HAIR; Dilated cardiomyopathy with woolly hair and keratoderma; Carvajal syndrome; Arrhythmogenic cardiomyopathy with woolly hair and keratoderma. Identifiers: Orphanet 65282, MedGen C1854063, MONDO:0011581, OMIM 605676.
Primary dilated cardiomyopathy (DCM). Also called: Dilated Cardiomyopathy. Identifiers: Orphanet 217604, MedGen C0007193, MeSH D002311, MONDO:0005021, HP:0001644. Inheritance: Various modes of inheritance.

gnomAD v4.1: 6 of 1,614,000 alleles (0.00037%); highest among the groups gnomAD compares: Non-Finnish European, 0.00051%; no homozygotes.

Submissions 1 to 6 of 11:

Clinical Genomics Laboratory, Washington University in St. Louis
Classification: Pathogenic for Arrhythmogenic right ventricular dysplasia 8. Last evaluated: 2026-02-10. Review status: criteria provided, single submitter. Criteria: ACMG Guidelines, 2015. Collection method: clinical testing. Allele origin: germline. Affected: yes.
Comment: The DSP c.478C>T (p.Arg160*) variant has been reported in multiple individuals with ARVD/C and/or DCM with woolly hair, keratoderma, and tooth agenesis and is reported to segregate with disease in several families (Augusto JB et al., PMID: 31317183; DeWitt ES et al., PMID: 31319917; Reza N et al., PMID: 33079602; Santos-Ferreira C et al., PMID: 35151254; te Riel AS et al., PMID: 23810894; Walsh R et al., PMID: 27532257; Wang W et al., PMID: 34352074). This variant causes a premature termination codon, which is predicted to lead to nonsense mediated decay. This variant is absent from the general population (gnomAD v2.1.1), indicating it is not a common variant. This variant has been reported in the ClinVar database as a germline pathogenic variant by seven submitters and likely pathogenic by a single submitter. Based on available information and the ACMG/AMP guidelines for variant interpretation (Richards S et al., PMID: 25741868), this variant is classified as pathogenic.

Labcorp Genetics (formerly Invitae), Labcorp
Classification: Pathogenic for Arrhythmogenic cardiomyopathy with wooly hair and keratoderma; Arrhythmogenic right ventricular dysplasia 8. Last evaluated: 2025-10-24. Review status: criteria provided, single submitter. Criteria: Invitae Variant Classification Sherloc (09022015). Collection method: clinical testing. Allele origin: germline.
Comment: This sequence change creates a premature translational stop signal (p.Arg160*) in the DSP gene. It is expected to result in an absent or disrupted protein product. Loss-of-function variants in DSP are known to be pathogenic (PMID: 20716751, 24503780, 25227139, 30398466). This variant is not present in population databases (gnomAD no frequency). This premature translational stop signal has been observed in individual(s) with arrhythmogenic right ventricular cardiomyopathy (PMID: 23810894). ClinVar contains an entry for this variant (Variation ID: 44922). Algorithms developed to predict the effect of sequence changes on RNA splicing suggest that this variant may disrupt the consensus splice site. For these reasons, this variant has been classified as Pathogenic.

GeneDx
Classification: Pathogenic. Last evaluated: 2025-10-17. Review status: criteria provided, single submitter. Criteria: GeneDx Variant Classification Process June 2021. Collection method: clinical testing. Allele origin: germline. Affected: yes.
Comment: Nonsense variant predicted to result in protein truncation or nonsense mediated decay in a gene for which loss of function is a known mechanism of disease; Identified in individuals referred for genetic testing at GeneDx and in published literature with features of desmoplakin cardiomyopathy, including ACM and DCM, with and without additional features of curly hair and/or palmoplantar keratoderma (PMID: 23810894, 25820315, 31319917, 31317183, 31386562, 33079602, 32372669, 34352074); Reported in a patient with arrhythmogenic cardiomyopathy, sudden cardiac arrest due to ventricular fibrillation, and cutaneous abnormalities; this variant segregated with a cutaneous phenotype in relatives, including a sibling with palmoplantar keratoderma in the absence of cardiac dysfunction (PMID: 35151254); Not observed at significant frequency in large population cohorts (gnomAD); This variant is associated with the following publications: (PMID: 26850880, 25820315, 27532257, 28471438, 28588093, 36264615, 36580316, 37652022, 38169814, 36129056, 23810894, 31402444, Lee2023[CaseReport], 35054841, 31317183, 31386562, 29997227, 34352074, 35083019, 32372669, 33079602, 31319917, 39472908, Prechtel2025[Preprint], 39314404, 25616645, 29633331, 35151254)

All of Us Research Program, National Institutes of Health
Classification: Pathogenic for Arrhythmogenic cardiomyopathy with wooly hair and keratoderma. Last evaluated: 2024-02-05. Review status: criteria provided, single submitter. Criteria: ACMG Guidelines, 2015. Collection method: clinical testing. Allele origin: germline. Inheritance: Autosomal dominant inheritance. Observed: 4 variant alleles, 4 heterozygotes.
Comment: This variant changes 1 nucleotide in exon 4 of the DSP gene, creating a premature translation stop signal. This variant is expected to result in an absent or non-functional protein product. This variant has been reported in individuals affected with arrhythmogenic cardiomyopathy, dilated cardiomyopathy, and/or palmoplantar keratoderma (PMID: 25616645, 27532257, 28588093, 31317183, 31319917, 33079602, 35151254, 34352074). This variant has not been identified in the general population by the Genome Aggregation Database (gnomAD). Loss of DSP function is a known mechanism of disease. Based on the available evidence, this variant is classified as Pathogenic.

This study involves interpretation of variants in research participants for the purpose of population health screening. Participant phenotype was not available at the time of variant classification. Additional details can be found in publication PMID: 35346344, PMCID: PMC8962531

Color Diagnostics, LLC DBA Color Health
Classification: Pathogenic for Cardiomyopathy. Last evaluated: 2023-11-27. Review status: criteria provided, single submitter. Criteria: ACMG Guidelines, 2015. Collection method: clinical testing. Allele origin: germline.
Comment: This variant changes 1 nucleotide in exon 4 of the DSP gene, creating a premature translation stop signal. This variant is expected to result in an absent or non-functional protein product. This variant has been reported in individuals affected with arrhythmogenic cardiomyopathy, dilated cardiomyopathy, and/or palmoplantar keratoderma (PMID: 25616645, 27532257, 28588093, 31317183, 31319917, 33079602, 35151254, 34352074). This variant has not been identified in the general population by the Genome Aggregation Database (gnomAD). Loss of DSP function is a known mechanism of disease. Based on the available evidence, this variant is classified as Pathogenic.

Victorian Clinical Genetics Services, Murdoch Childrens Research Institute
Classification: Pathogenic for Cardiomyopathy. Last evaluated: 2023-07-17. Review status: criteria provided, single submitter. Criteria: ACMG Guidelines, 2015. Collection method: clinical testing. Allele origin: germline. Inheritance: Autosomal dominant inheritance. Affected: yes.
Comment: Based on the classification scheme VCGS_Germline_v1.3.4, this variant is classified as Pathogenic. Following criteria are met: 0102 - Loss of function is a known mechanism of disease in this gene and is associated with arrhythmogenic right ventricular dysplasia 8 (MIM#607450), and cardiomyopathy (MONDO:0004994), DSP-related. (I) 0108 - This gene is associated with both recessive and dominant disease. Variants in this gene are usually inherited in a dominant manner; however rare reports of recessive inheritance have resulted in a more severe cardiac phenotype (OMIM). (I) 0112 - The condition associated with this gene has incomplete penetrance. In families with cardiomyopathies, reduced penetrance has been reported among family members aged 60-86 years (PMID: 36580316). (I) 0115 - Variants in this gene are known to have variable expressivity. Age-dependent penetrance and variable expressivity are well-described aspects of arrhythmogenic cardiomyopathy (PMID: 29062697). (I) 0201 - Variant is predicted to cause nonsense-mediated decay (NMD) and loss of protein (premature termination codon is located at least 54 nucleotides upstream of the final exon-exon junction). (SP) 0251 - This variant is heterozygous. (I) 0301 - Variant is absent from gnomAD (both v2 and v3). (SP) 0701 - Other NMD-predicted variants comparable to the one identified in this case have very strong previous evidence for pathogenicity. Many NMD-predicted variants in this gene have been reported as pathogenic/likely pathogenic (ClinVar, DECIPHER). (SP) 0801 - This variant has strong previous evidence of pathogenicity in unrelated individuals. This variant has been identified in many individuals with DSP-related cardiac disorders and cutaneous symptoms (ClinVar, Cardio db, PMID:35151254, PMID:33079602, PMID:26850880, PMID:31319917). (SP) 1208 - Inheritance information for this variant is not currently available in this individual. (I) Legend: (SP) - Supporting pathogenic, (I) - Information, (SB) - Supporting benign